The following is an entry in ClinVar:

ClinVar aggregate classification (germline): Uncertain significance. Review status: criteria provided, multiple submitters, no conflicts (2 of 4 stars). 4 submissions from 4 submitters: Uncertain significance (4). Last evaluated 2025-12-18.

Conditions:
Hereditary cancer-predisposing syndrome. Also called: Neoplastic Syndromes, Hereditary; Hereditary neoplastic syndrome; Tumor predisposition; Hereditary Cancer Syndrome. Identifiers: Orphanet 140162, MedGen C0027672, MeSH D009386, MONDO:0015356.
Ataxia-telangiectasia syndrome (AT). Also called: Ataxia telangiectasia (A-T); Cerebello-oculocutaneous telangiectasia; Immunodeficiency with ataxia telangiectasia; LOUIS-BAR SYNDROME; AT, COMPLEMENTATION GROUP C; ATAXIA-TELANGIECTASIA, FRESNO VARIANT. Identifiers: Orphanet 100, MedGen C0004135, MONDO:0008840, OMIM 208900.

Submissions (4):

Labcorp Genetics (formerly Invitae), Labcorp
Classification: Uncertain significance for Ataxia-telangiectasia syndrome. Last evaluated: 2025-12-18. Review status: criteria provided, single submitter. Criteria: Invitae Variant Classification Sherloc (09022015). Collection method: clinical testing. Allele origin: germline.
Comment: This sequence change replaces glutamic acid, which is acidic and polar, with aspartic acid, which is acidic and polar, at codon 2423 of the ATM protein (p.Glu2423Asp). This variant is not present in population databases (gnomAD no frequency). This missense change has been observed in individual(s) with breast cancer (PMID: 35264596). ClinVar contains an entry for this variant (Variation ID: 220312). Invitae Evidence Modeling of protein sequence and biophysical properties (such as structural, functional, and spatial information, amino acid conservation, physicochemical variation, residue mobility, and thermodynamic stability) indicates that this missense variant is not expected to disrupt ATM protein function with a negative predictive value of 95%. In summary, the available evidence is currently insufficient to determine the role of this variant in disease. Therefore, it has been classified as a Variant of Uncertain Significance.

Ambry Genetics
Classification: Uncertain significance for Hereditary cancer-predisposing syndrome. Last evaluated: 2025-04-16. Review status: criteria provided, single submitter. Criteria: Ambry Variant Classification Scheme 2023. Collection method: clinical testing. Allele origin: germline.
Comment: The p.E2423D variant (also known as c.7269A>T), located in coding exon 48 of the ATM gene, results from an A to T substitution at nucleotide position 7269. The glutamic acid at codon 2423 is replaced by aspartic acid, an amino acid with highly similar properties. This variant was detected once in a cohort of 1663 Brazilian breast cancer patients who underwent hereditary multigene panel testing (Guindalini RSC et al. Sci Rep, 2022 Mar;12:4190). This amino acid position is highly conserved in available vertebrate species. In addition, this alteration is predicted to be tolerated by in silico analysis. Based on the available evidence, the clinical significance of this variant remains unclear.

Color Diagnostics, LLC DBA Color Health
Classification: Uncertain significance for Hereditary cancer-predisposing syndrome. Last evaluated: 2019-10-15. Review status: criteria provided, single submitter. Criteria: ACMG Guidelines, 2015. Collection method: clinical testing. Allele origin: germline.
Comment: This missense variant replaces glutamic acid with aspartic acid at codon 2423 of the ATM protein. Computational prediction suggests that this variant may not impact protein structure and function (internally defined REVEL score threshold <= 0.5, PMID: 27666373). Splice site prediction tools suggest that this variant may not impact RNA splicing. To our knowledge, functional studies have not been performed for this variant. This variant has not been reported in individuals affected with hereditary cancer in the literature. This variant has not been identified in the general population by the Genome Aggregation Database (gnomAD). The available evidence is insufficient to determine the role of this variant in disease conclusively. Therefore, this variant is classified as a Variant of Uncertain Significance.

Mendelics
Classification: Uncertain significance for Ataxia-telangiectasia syndrome. Last evaluated: 2018-07-02. Review status: criteria provided, single submitter. Criteria: Mendelics Assertion Criteria 2017. Collection method: clinical testing. Allele origin: unknown.

Literature cited by the submitters: PubMed 35264596 (cited by Labcorp Genetics (formerly Invitae), Labcorp and Ambry Genetics).

NM_000051.4(ATM):c.7269A>T (p.Glu2423Asp)

Genes: C11orf65 (chromosome 11 open reading frame 65; minus strand), ATM (ATM serine/threonine kinase; plus strand). Cytogenetic location: 11q22.3.
Variant type: single nucleotide variant.
Coding change: c.7269A>T on transcript NM_000051.4 (MANE Select); coding-DNA position 7269, A replaced by T.
Protein change: p.Glu2423Asp; replaces glutamic acid 2423 with aspartic acid.
Molecular consequence: missense variant. On other transcripts: intron variant (2).
Genome position (GRCh38, 1-based): chr11:108,329,200, A>T. VCF-style: chr11-108329200-A-T. GRCh37 (hg19) VCF-style: chr11-108199927-A-T.
Other names: c.7269A>T, p.Glu2423Asp (NM_001351834.2); c.641-20129T>A (NM_001330368.2); c.*38+6020T>A (NM_001351110.2); short protein forms E2423D.
Identifiers: ClinVar variation 220312 (VCV000220312.16), dbSNP rs864622471, ClinGen allele CA350014.